The following is an entry in ClinVar:

ClinVar aggregate classification (germline): Uncertain significance (1 of 4 stars; one submission).

Allele frequency attached by ClinVar (database versions not stated): gnomAD 0.00001; gnomAD exomes 0.00001; ExAC 0.00002; TOPMed 0.00002.
gnomAD v4.1: 12 of 1,614,088 alleles (0.00074%); highest among the groups gnomAD compares: East Asian, 0.0045%; no homozygotes.

Submission:

Labcorp Genetics (formerly Invitae), Labcorp
Classification: Uncertain significance. Last evaluated: 2024-04-15. Review status: criteria provided, single submitter. Criteria: Invitae Variant Classification Sherloc (09022015). Collection method: clinical testing. Allele origin: germline.
Comment: This sequence change replaces arginine, which is basic and polar, with glutamine, which is neutral and polar, at codon 117 of the ITGB3 protein (p.Arg117Gln). This variant is present in population databases (rs746952064, gnomAD 0.02%). This variant has not been reported in the literature in individuals affected with ITGB3-related conditions. ClinVar contains an entry for this variant (Variation ID: 2177791). Advanced modeling of protein sequence and biophysical properties (such as structural, functional, and spatial information, amino acid conservation, physicochemical variation, residue mobility, and thermodynamic stability) performed at Invitae indicates that this missense variant is not expected to disrupt ITGB3 protein function with a negative predictive value of 80%. In summary, the available evidence is currently insufficient to determine the role of this variant in disease. Therefore, it has been classified as a Variant of Uncertain Significance.

NM_000212.3(ITGB3):c.350G>A (p.Arg117Gln)

Gene: ITGB3 (integrin subunit beta 3; plus strand). Cytogenetic location: 17q21.32.
Variant type: single nucleotide variant.
Coding change: c.350G>A on transcript NM_000212.3 (MANE Select); coding-DNA position 350, G replaced by A.
Protein change: p.Arg117Gln; replaces arginine 117 with glutamine.
Molecular consequence: missense variant.
Genome position (GRCh38, 1-based): chr17:47,283,538, G>A. VCF-style: chr17-47283538-G-A. GRCh37 (hg19) VCF-style: chr17-45360904-G-A.
Other names: short protein forms R117Q.
Identifiers: ClinVar variation 2177791 (VCV002177791.3), dbSNP rs746952064, ClinGen allele CA8622922.